The following is an entry in ClinVar:

NM_031206.7(LAS1L):c.1614C>T (p.Ser538=)

Gene: LAS1L (LAS1 like ribosome biogenesis factor; minus strand). Cytogenetic location: Xq12.
Variant type: single nucleotide variant.
Coding change: c.1614C>T on transcript NM_031206.7 (MANE Select); coding-DNA position 1614, C replaced by T.
Protein change: p.Ser538=; no amino-acid change (serine 538 retained).
Molecular consequence: synonymous variant. On other transcripts: non-coding transcript variant (1).
Genome position (GRCh38, 1-based): chrX:65,518,300, G>A on the plus strand (C>T on the coding strand, the complement: LAS1L is on the minus strand). VCF-style: chrX-65518300-G-A. GRCh37 (hg19) VCF-style: chrX-64738180-G-A.
Other names: c.1563C>T, p.Ser521= (NM_001170649.2, NM_001375333.1); c.1437C>T, p.Ser479= (NM_001170650.2); c.1614C>T, p.Ser538= (NM_001375328.1); c.657C>T, p.Ser219= (NM_001375332.1).
Identifiers: ClinVar variation 2571369 (VCV002571369.27), dbSNP rs746677674, ClinGen allele CA10433899.

ClinVar aggregate classification (germline): Likely benign (1 of 4 stars; one submission).

Allele frequency attached by ClinVar (database versions not stated): ExAC 0.00001; gnomAD exomes 0.00001.
gnomAD v4.1: 7 of 1,211,978 alleles (0.00058%); highest among the groups gnomAD compares: South Asian, 0.0035%; no homozygotes.

Submission:

CeGaT Center for Human Genetics Tuebingen
Classification: Likely benign. Last evaluated: 2023-04-01. Review status: criteria provided, single submitter. Criteria: CeGaT Center For Human Genetics Tuebingen Variant Classification Criteria Version 2. Collection method: clinical testing. Allele origin: germline. Affected: yes. Observed: 1 variant allele.
Comment: LAS1L: BP4, BP7